The following is an entry in ClinVar:

NM_006514.4(SCN10A):c.145G>C (p.Glu49Gln)

Gene: SCN10A (sodium voltage-gated channel alpha subunit 10; minus strand). Cytogenetic location: 3p22.2.
Variant type: single nucleotide variant.
Coding change: c.145G>C on transcript NM_006514.4 (MANE Select); coding-DNA position 145, G replaced by C.
Protein change: p.Glu49Gln; replaces glutamic acid 49 with glutamine.
Molecular consequence: missense variant.
Genome position (GRCh38, 1-based): chr3:38,793,866, C>G on the plus strand (G>C on the coding strand, the complement: SCN10A is on the minus strand). VCF-style: chr3-38793866-C-G. GRCh37 (hg19) VCF-style: chr3-38835357-C-G.
Other names: c.145G>C, p.Glu49Gln (NM_001293306.2, NM_001293307.2); short protein forms E49Q.
Identifiers: ClinVar variation 2311611 (VCV002311611.4), dbSNP rs866362615, ClinGen allele CA352162973.

ClinVar aggregate classification (germline): Uncertain significance. Review status: criteria provided, multiple submitters, no conflicts (2 of 4 stars). 3 submissions from 3 submitters: Uncertain significance (3). Last evaluated 2025-08-10.

Conditions:
Cardiovascular phenotype. Identifiers: MedGen CN230736.
Brugada syndrome. Also called: Sudden unexpected nocturnal death syndrome; Sudden unexplained nocturnal death syndrome; Sudden Unexplained Death Syndrome; Sudden Unexplained Nocturnal Death Syndrome (SUNDS). Identifiers: Orphanet 130, MedGen C1142166, MONDO:0015263.

Allele frequency attached by ClinVar (database versions not stated): gnomAD exomes below 0.00001.
gnomAD v4.1: 6 of 1,614,098 alleles (0.00037%); highest among the groups gnomAD compares: African/African-American, 0.0067%; no homozygotes.

Submissions (3):

Labcorp Genetics (formerly Invitae), Labcorp
Classification: Uncertain significance for Brugada syndrome. Last evaluated: 2025-08-10. Review status: criteria provided, single submitter. Criteria: Invitae Variant Classification Sherloc (09022015). Collection method: clinical testing. Allele origin: germline.
Comment: This sequence change replaces glutamic acid, which is acidic and polar, with glutamine, which is neutral and polar, at codon 49 of the SCN10A protein (p.Glu49Gln). This variant is present in population databases (no rsID available, gnomAD 0.003%). This variant has not been reported in the literature in individuals affected with SCN10A-related conditions. ClinVar contains an entry for this variant (Variation ID: 2311611). Invitae Evidence Modeling of protein sequence and biophysical properties (such as structural, functional, and spatial information, amino acid conservation, physicochemical variation, residue mobility, and thermodynamic stability) indicates that this missense variant is not expected to disrupt SCN10A protein function with a negative predictive value of 80%. In summary, the available evidence is currently insufficient to determine the role of this variant in disease. Therefore, it has been classified as a Variant of Uncertain Significance.

Ambry Genetics
Classification: Uncertain significance for Cardiovascular phenotype. Last evaluated: 2022-09-14. Review status: criteria provided, single submitter. Criteria: Ambry Variant Classification Scheme 2023. Collection method: clinical testing. Allele origin: germline.

Blueprint Genetics
Classification: Uncertain significance. Last evaluated: 2019-10-10. Review status: criteria provided, single submitter. Criteria: ACMG Guidelines, 2015. Collection method: clinical testing. Allele origin: germline.